The following is an entry in ClinVar:

NM_015213.4(DENND5A):c.*2C>A

Gene: DENND5A (DENN domain containing 5A; minus strand). Cytogenetic location: 11p15.4.
Variant type: single nucleotide variant.
Coding change: c.*2C>A on transcript NM_015213.4 (MANE Select); 2 bases downstream of the stop codon, C replaced by A.
Molecular consequence: 3 prime UTR variant. On other transcripts: non-coding transcript variant (1).
Genome position (GRCh38, 1-based): chr11:9,139,669, G>T on the plus strand (C>A on the coding strand, the complement: DENND5A is on the minus strand). VCF-style: chr11-9139669-G-T. GRCh37 (hg19) VCF-style: chr11-9161216-G-T.
Other names: c.*106C>A (NM_001243254.2); c.*2C>A (NM_001348748.1, NM_001348749.2, NM_001348750.2).
Identifiers: ClinVar variation 3039777 (VCV003039777.3), dbSNP rs115427542, ClinGen allele CA5876950.

ClinVar aggregate classification (germline): Likely benign. Review status: criteria provided, single submitter (1 of 4 stars). 2 submissions from 2 submitters: Likely benign (1). 1 of the submissions does not count toward it. Last evaluated 2024-09-02.

Conditions:
DENND5A-related disorder. Also called: DENND5A-related condition.

Allele frequency attached by ClinVar (database versions not stated): ExAC 0.00019; gnomAD 0.00039; ESP Exome Variant Server 0.00046; TOPMed 0.00057; 1000 Genomes Project 0.00060; 1000 Genomes Project 30x 0.00109.
gnomAD v4.1: 110 of 1,612,734 alleles (0.0068%); highest among the groups gnomAD compares: African/African-American, 0.14%; no homozygotes.

Submissions (2):

Blueprint Genetics
Classification: Likely benign. Last evaluated: 2024-09-02. Review status: criteria provided, single submitter. Criteria: ACMG Guidelines, 2015. Collection method: clinical testing. Allele origin: germline.

PreventionGenetics, part of Exact Sciences
Classification: Likely benign for DENND5A-related condition. Last evaluated: 2019-10-28. Review status: no assertion criteria provided. Collection method: clinical testing. Allele origin: germline. Not counted in ClinVar's aggregate classification.
Comment: This variant is classified as likely benign based on ACMG/AMP sequence variant interpretation guidelines (Richards et al. 2015 PMID: 25741868, with internal and published modifications).